The following is an entry in ClinVar:

ClinVar aggregate classification (germline): Uncertain significance (1 of 4 stars; one submission).

Submission:

GeneDx
Classification: Uncertain significance. Last evaluated: 2023-07-18. Review status: criteria provided, single submitter. Criteria: GeneDx Variant Classification Process June 2021. Collection method: clinical testing. Allele origin: germline. Affected: yes.
Comment: In silico analysis supports that this missense variant does not alter protein structure/function; Has not been previously published as pathogenic or benign to our knowledge

NM_015338.6(ASXL1):c.4475T>C (p.Met1492Thr)

Gene: ASXL1 (ASXL transcriptional regulator 1; plus strand). Cytogenetic location: 20q11.21.
Variant type: single nucleotide variant.
Coding change: c.4475T>C on transcript NM_015338.6 (MANE Select); coding-DNA position 4475, T replaced by C.
Protein change: p.Met1492Thr; replaces methionine 1492 with threonine.
Molecular consequence: missense variant.
Genome position (GRCh38, 1-based): chr20:32,437,187, T>C. VCF-style: chr20-32437187-T-C. GRCh37 (hg19) VCF-style: chr20-31024990-T-C.
Other names: c.4292T>C, p.Met1431Thr (NM_001363734.1); short protein forms M1431T, M1492T.
Identifiers: ClinVar variation 3342668 (VCV003342668.1).